The following is an entry in ClinVar:

ClinVar aggregate classification (germline): Pathogenic (1 of 4 stars; one submission).

Conditions:
Hereditary thrombocytopenia and hematological cancer predisposition syndrome associated with RUNX1. Also called: PLATELET DISORDER, ASPIRIN-LIKE; RUNX1 Familial Platelet Disorder with Associated Myeloid Malignancies; Familial Platelet Disorder with Propensity to Acute Myelogenous Leukemia; Familial thrombocytopenia with propensity to acute myelogenous leukemia. Identifiers: Orphanet 71290, MedGen C1832388, MeSH C563324, MONDO:0100083, OMIM 601399.

Submission:

Labcorp Genetics (formerly Invitae), Labcorp
Classification: Pathogenic for Hereditary thrombocytopenia and hematological cancer predisposition syndrome associated with RUNX1. Last evaluated: 2018-04-15. Review status: criteria provided, single submitter. Criteria: Invitae Variant Classification Sherloc (09022015). Collection method: clinical testing. Allele origin: germline.
Comment: A gross deletion of the genomic region encompassing the full coding sequence of the RUNX1 gene has been identified. The boundaries of this event are unknown as the deletion extends beyond the assayed region for this gene and therefore may encompass additional genes. Gross deletions in RUNX1 are known to be pathogenic. Loss of function variants, including whole gene deletions, of RUNX1 have been reported in the literature in individuals affected with familial platelet disorder (FPD) with propensity to acute myeloid leukemia (AML) (PMID: 19357396, 18478040). Contiguous gene deletions that include the RUNX1 gene have been reported in individuals with a syndromic form of FPD with predisposition to AML that may include intellectual disability, variable developmental delays, congenital anomalies, and/or growth restriction (PMID: 21626672, 18487507, 19679353, 18478040). For these reasons, this variant has been classified as Pathogenic.

Literature cited by the submitters: PubMed 19357396; PubMed 18478040; PubMed 21626672; PubMed 18487507; PubMed 19679353.

NC_000021.8:g.35742772-?_36421202+?del

Genes: KCNE2 (potassium voltage-gated channel subfamily E regulatory subunit 2; plus strand), RUNX1 (RUNX family transcription factor 1; minus strand). Cytogenetic location: 21q22.11.
Variant type: Deletion.
Identifiers: ClinVar variation 1072405 (VCV001072405.1).